The following is an entry in ClinVar:

ClinVar aggregate classification (germline): Uncertain significance (1 of 4 stars; one submission).

gnomAD v4.1: 3 of 1,545,380 alleles (0.00019%); highest among the groups gnomAD compares: Non-Finnish European, 0.00026%; no homozygotes.

Submission:

Labcorp Genetics (formerly Invitae), Labcorp
Classification: Uncertain significance. Last evaluated: 2025-10-06. Review status: criteria provided, single submitter. Criteria: Invitae Variant Classification Sherloc (09022015). Collection method: clinical testing. Allele origin: germline.
Comment: This sequence change replaces tryptophan, which is neutral and slightly polar, with arginine, which is basic and polar, at codon 549 of the SLC34A3 protein (p.Trp549Arg). This variant is not present in population databases (gnomAD no frequency). This variant has not been reported in the literature in individuals affected with SLC34A3-related conditions. Invitae Evidence Modeling of protein sequence and biophysical properties (such as structural, functional, and spatial information, amino acid conservation, physicochemical variation, residue mobility, and thermodynamic stability) has been performed for this missense variant. However, the output from this modeling did not meet the statistical confidence thresholds required to predict the impact of this variant on SLC34A3 protein function. In summary, the available evidence is currently insufficient to determine the role of this variant in disease. Therefore, it has been classified as a Variant of Uncertain Significance.

NM_001177316.2(SLC34A3):c.1645T>C (p.Trp549Arg)

Gene: SLC34A3 (solute carrier family 34 member 3; plus strand). Cytogenetic location: 9q34.3.
Variant type: single nucleotide variant.
Coding change: c.1645T>C on transcript NM_001177316.2 (MANE Select); coding-DNA position 1645, T replaced by C.
Protein change: p.Trp549Arg; replaces tryptophan 549 with arginine.
Molecular consequence: missense variant.
Genome position (GRCh38, 1-based): chr9:137,236,261, T>C. VCF-style: chr9-137236261-T-C. GRCh37 (hg19) VCF-style: chr9-140130713-T-C.
Other names: c.1645T>C, p.Trp549Arg (NM_001177317.2, NM_080877.3); short protein forms W549R.
Identifiers: ClinVar variation 4798988 (VCV004798988.1).